The following is an entry in ClinVar:

ClinVar aggregate classification (germline): Uncertain significance (1 of 4 stars; one submission).

Conditions:
Kabuki syndrome 2 (KABUK2). Also called: KDM6A-Related Kabuki Syndrome. Identifiers: Orphanet 2322, MedGen C3275495, MONDO:0010465, OMIM 300867.

Submission:

Labcorp Genetics (formerly Invitae), Labcorp
Classification: Uncertain significance for Kabuki syndrome 2. Last evaluated: 2023-12-27. Review status: criteria provided, single submitter. Criteria: Invitae Variant Classification Sherloc (09022015). Collection method: clinical testing. Allele origin: germline.
Comment: This variant results in a copy number gain of the genomic region encompassing exon(s) 5-29 of the KDM6A gene. This region includes the termination codon of the gene. This copy number gain extends beyond the assayed region for this gene and therefore may encompass additional genes. As the precise location of this event is unknown, it may be in tandem or it may be located elsewhere in the genome. This variant has not been reported in the literature in individuals affected with KDM6A-related conditions. Experimental studies and prediction algorithms are not available or were not evaluated, and the functional significance of this variant is currently unknown. In summary, the available evidence is currently insufficient to determine the role of this variant in disease. Therefore, it has been classified as a Variant of Uncertain Significance.

NC_000023.10:g.(?_44870186)_(44970656_?)dup

Gene: KDM6A (lysine demethylase 6A; plus strand). Cytogenetic location: Xp11.3.
Variant type: Duplication.
Identifiers: ClinVar variation 1491493 (VCV001491493.5).